The following is an entry in ClinVar:

ClinVar aggregate classification (germline): Uncertain significance (1 of 4 stars; one submission).

Submission:

GeneDx
Classification: Uncertain significance. Last evaluated: 2024-01-16. Review status: criteria provided, single submitter. Criteria: GeneDx Variant Classification Process June 2021. Collection method: clinical testing. Allele origin: germline. Affected: yes.
Comment: Not observed at significant frequency in large population cohorts (gnomAD); In silico analysis supports that this missense variant has a deleterious effect on protein structure/function; Has not been previously published as pathogenic or benign to our knowledge

NM_001283009.2(RTEL1):c.2930G>T (p.Gly977Val)

Genes: RTEL1 (regulator of telomere elongation helicase 1; plus strand), RTEL1-TNFRSF6B (RTEL1-TNFRSF6B readthrough (NMD candidate); plus strand). Cytogenetic location: 20q13.33.
Variant type: single nucleotide variant.
Coding change: c.2930G>T on transcript NM_001283009.2 (MANE Select); coding-DNA position 2930, G replaced by T.
Protein change: p.Gly977Val; replaces glycine 977 with valine.
Molecular consequence: missense variant. On other transcripts: non-coding transcript variant (1).
Genome position (GRCh38, 1-based): chr20:63,693,221, G>T. VCF-style: chr20-63693221-G-T. GRCh37 (hg19) VCF-style: chr20-62324574-G-T.
Other names: c.2261G>T, p.Gly754Val (NM_001283010.1); c.2930G>T, p.Gly977Val (NM_016434.4); c.3002G>T, p.Gly1001Val (NM_032957.5); short protein forms G1001V, G754V, G977V.
Identifiers: ClinVar variation 3367995 (VCV003367995.1).